The following is an entry in ClinVar:

ClinVar aggregate classification (germline): Uncertain significance. Review status: criteria provided, multiple submitters, no conflicts (2 of 4 stars). 3 submissions from 3 submitters: Uncertain significance (3). Last evaluated 2025-09-25.

Conditions:
Inborn genetic diseases. Identifiers: MedGen C0950123, MeSH D030342.
LRRK1-related disorder. Also called: LRRK1-related condition.

Allele frequency attached by ClinVar (database versions not stated): gnomAD exomes 0.00002 and 0.00004; ESP Exome Variant Server 0.00008; gnomAD 0.00008 and 0.00009; TOPMed 0.00008.
gnomAD v4.1: 48 of 1,610,862 alleles (0.003%); highest among the groups gnomAD compares: Admixed American, 0.015%; no homozygotes.

Submissions (3):

Ambry Genetics
Classification: Uncertain significance for Inborn genetic diseases. Last evaluated: 2025-09-25. Review status: criteria provided, single submitter. Criteria: Ambry Variant Classification Scheme 2023. Collection method: clinical testing. Allele origin: germline.

Labcorp Genetics (formerly Invitae), Labcorp
Classification: Uncertain significance. Last evaluated: 2024-06-26. Review status: criteria provided, single submitter. Criteria: Invitae Variant Classification Sherloc (09022015). Collection method: clinical testing. Allele origin: germline.
Comment: This sequence change replaces valine, which is neutral and non-polar, with methionine, which is neutral and non-polar, at codon 194 of the LRRK1 protein (p.Val194Met). This variant is present in population databases (rs370235958, gnomAD 0.02%). This variant has not been reported in the literature in individuals affected with LRRK1-related conditions. ClinVar contains an entry for this variant (Variation ID: 1475996). An algorithm developed to predict the effect of missense changes on protein structure and function (PolyPhen-2) suggests that this variant¬†is likely to be tolerated. In summary, the available evidence is currently insufficient to determine the role of this variant in disease. Therefore, it has been classified as a Variant of Uncertain Significance.

PreventionGenetics, part of Exact Sciences
Classification: Uncertain significance for LRRK1-related condition. Last evaluated: 2023-01-10. Review status: criteria provided, single submitter. Criteria: ACMG Guidelines, 2015. Collection method: clinical testing. Allele origin: germline.
Comment: The LRRK1 c.580G>A variant is predicted to result in the amino acid substitution p.Val194Met. To our knowledge, this variant has not been reported in the literature. This variant is reported in 0.017% of alleles in individuals of African descent in gnomAD. At this time, the clinical significance of this variant is uncertain due to the absence of conclusive functional and genetic evidence.

NM_024652.6(LRRK1):c.580G>A (p.Val194Met)

Gene: LRRK1 (leucine rich repeat kinase 1; plus strand). Cytogenetic location: 15q26.3.
Variant type: single nucleotide variant.
Coding change: c.580G>A on transcript NM_024652.6 (MANE Select); coding-DNA position 580, G replaced by A.
Protein change: p.Val194Met; replaces valine 194 with methionine.
Molecular consequence: missense variant.
Genome position (GRCh38, 1-based): chr15:100,988,780, G>A. VCF-style: chr15-100988780-G-A. GRCh37 (hg19) VCF-style: chr15-101528985-G-A.
Other names: c.580G>A (NM_024652.5, NM_024652.3); short protein forms V194M.
Identifiers: ClinVar variation 1475996 (VCV001475996.8), dbSNP rs370235958, ClinGen allele CA7760637.
Genomic context (GRCh38, chr15:100,988,780, plus strand): 5'-CTGACGCACGGGGCTGACCCGGAGAGCTACGCTGTCAGGAAGAATGAGTTCCCTGTCATC[G>A]TGCGCTTGCCCCTGTATGCGGCCATCAAGTCAGGTGGGTTTCCCCACTACCCTGAGTCAA-3'
Protein context (NP_078928.3, residues 184-204): AVRKNEFPVI[Val194Met]RLPLYAAIKS